The following continues an entry in ClinVar:

NC_000011.10:g.47337730dup

Gene: MYBPC3. ClinVar aggregate classification (germline): Pathogenic. Pathogenic (32).

Submissions 21 to 38 of 41:

GeneDx
Classification: Pathogenic. Last evaluated: 2022-04-04. Review status: criteria provided, single submitter. Criteria: GeneDx Variant Classification Process June 2021. Collection method: clinical testing. Allele origin: germline. Affected: yes.
Comment: Observed in individuals with severe infantile-onset cardiomyopathy who were either homozygous for this variant or compound heterozygous for this variant and a second pathogenic variant in the MYBPC3 gene (Lekanne Deprez et al., 2006; Haberer et al., 2014; Wessels et al., 2015); Not observed at significant frequency in large population cohorts (gnomAD); Published functional studies demonstrate c.2373dupG causes haploinsufficiency, deranged phosphorylation of contractile proteins, reduced maximal force-generating capacity of cardiomyocytes, and enhanced Ca2+ sensitivity (van Dijk et al., 2009); Frameshift variant predicted to result in protein truncation or nonsense mediated decay in a gene for which loss-of-function is a known mechanism of disease; This variant is associated with the following publications: (PMID: 30731207, 29759671, 23674513, 22569109, 20705073, 27532257, 28615295, 28005231, 20505798, 24111713, 19356534, 19666645, 25262865, 23396983, 23074333, 26489474, 21257752, 22115648, 9562578, 27476098, 22173300, 24510615, 16679492, 25335496, 28794111, 22574137, 29540445, 28971120, 29169752, 30025578, 29237689, 28790153, 19574547, 29212898, 26914223, 29447731, 29121657, 27108529, 30775854, 30742251, 31006259, 30550750, 31737537, 32880476, 14563344, 32686758, 32746448, 19273718, 31513939, 33849460, 33662488, 33673806, 30847666, 34135346, 33726816, 33087929)

Clinical Genomics Laboratory, Stanford Medicine
Classification: Pathogenic for Hypertrophic cardiomyopathy 4. Last evaluated: 2022-03-16. Review status: criteria provided, single submitter. Criteria: ACMG Guidelines, 2015. Collection method: clinical testing. Allele origin: germline. Inheritance: Autosomal dominant inheritance. Observed: 1 variant allele, 1 heterozygote.
Comment: The p.Trp729Valfs*41 variant in the MYBPC3 gene is a known cause of hypertrophic cardiomyopathy (HCM) and has been reported in many unrelated individuals with HCM and segregated with disease in multiple families (PMID:33673806; PMID:10736283; PMID:9562578). Additionally, this variant has been observed in individuals with severe infantile-onset cardiomyopathy who were either homozygous for this variant or compound heterozygous for this variant and a second pathogenic variant in the MYBPC3 gene (PMID:25335496). This variant has been identified in 3/70,142 European (non-Finnish) chromosomes by the Genome Aggregation Database. This variant results in a 1 bp duplication, which causes a shift in the protein reading frame, leading to a premature termination codon 41 amino acids downstream. Heterozygous loss of function is an established mechanism of disease for the MYBPC3 gene. Functional studies of this variant are supportive of a deleterious effect to the protein; however, it is unclear if this would be sufficient to be disease-causing (PMID:10736283). These data were assessed using the ACMG/AMP variant interpretation guidelines. In summary, there is sufficient evidence to classify the p.Trp729Valfs*41 variant as pathogenic for autosomal dominant HCM based on the information above. [ACMG evidence codes used: PVS1; PS3_supporting; PS4; PM2; PP1_strong]

AiLife Diagnostics
Classification: Pathogenic. Last evaluated: 2022-02-09. Review status: criteria provided, single submitter. Criteria: ACMG Guidelines, 2015. Collection method: clinical testing. Allele origin: germline. Affected: yes. Observed: 2 variant alleles.

Fulgent Genetics
Classification: Pathogenic for Hypertrophic cardiomyopathy 4; Left ventricular noncompaction 10. Last evaluated: 2021-08-14. Review status: criteria provided, single submitter. Criteria: ACMG Guidelines, 2015. Collection method: clinical testing. Allele origin: unknown.

Loeys Lab, Universiteit Antwerpen
Classification: Pathogenic for Hypertrophic cardiomyopathy. Last evaluated: 2021-02-26. Review status: criteria provided, single submitter. Criteria: ACMG Guidelines, 2015. Collection method: clinical testing. Allele origin: paternal. Affected: yes. Observed: 8 variant alleles, 8 heterozygotes.
Comment: This sequence change results in a frameshift variant in the MYBPC3 gene (p.(Trp792ValFs*41)) resulting in loss-of function and haploinsufficiency, which is a known disease mechanism(PVS1) (PMID: 19273718). This variant is present in population databases (GnomAD 3/166724). This variant has been reported in the literature in several families with HCM and showed co-seggregation with HCM (PP1strong) (PMID:9562578; PMID: 10736283; PMID: 14563344; PMID: 19356534; PMID: 23674513; PMID: 24111713; PMID: 27476098; PMID:25335496).It has been described as a Dutch Founder variant, present in 17-25% of all HCM cases (PS4) (PMID: 20505798, 14563344).Functional studies demonstrated that the variant reduced maximal force-generating capacity of cardiomyocytes(PS3) (PMID: 19273718). We identified this variant in two HCM families. In conclusion this variant was classified as a pathogenic variant according to ACMG-guidelines (PVS1; PP1strong; PS4;PS3).

Clinical Genetics Laboratory, Region Ostergotland
Classification: Pathogenic for Hypertrophic cardiomyopathy 4. Last evaluated: 2020-06-09. Review status: criteria provided, single submitter. Criteria: ACMG Guidelines, 2015. Collection method: clinical testing. Allele origin: germline. Affected: yes.
Comment: PVS1, PS4, PP5

Centre for Mendelian Genomics, University Medical Centre Ljubljana
Classification: Pathogenic for Hypertrophic cardiomyopathy 4. Last evaluated: 2018-10-31. Review status: criteria provided, single submitter. Criteria: ACMG Guidelines, 2015. Collection method: clinical testing. Allele origin: unknown. Affected: yes.
Comment: This variant was classified as: Pathogenic. The following ACMG criteria were applied in classifying this variant: PS1,PVS1,PS3,PP3.

Center for Human Genetics, University of Leuven
Classification: Pathogenic for Hypertrophic cardiomyopathy. Last evaluated: 2017-02-09. Review status: criteria provided, single submitter. Criteria: ACMG Guidelines, 2015. Collection method: clinical testing. Allele origin: germline. Inheritance: Autosomal dominant inheritance. Affected: yes. Observed: 14 variant alleles.
Comment: ACMG score pathogenic

Genome Diagnostics Laboratory, University Medical Center Utrecht
Classification: Pathogenic for Hypertrophic cardiomyopathy 4. Last evaluated: 2017-01-25. Review status: criteria provided, single submitter. Criteria: ACGS Guidelines, 2013. Collection method: clinical testing. Allele origin: germline. Affected: yes. Study: VKGL Data-share Consensus.

Center for Medical Genetics Ghent, University of Ghent
Classification: Pathogenic for Hypertrophic cardiomyopathy 4. Last evaluated: 2016-01-01. Review status: criteria provided, single submitter. Criteria: ACMG Guidelines, 2015. Collection method: clinical testing. Allele origin: germline. Affected: yes.
Comment: This variant has not been identified in large population databases (Gnomad, 1000 Genomes, Go NL, Exome Variant Server) and is predicted to cause loss of normal protein function either through protein truncation or nonsense-mediated mRNA decay. In addition, the variant has been reported previously in individuals with cardiomyopathy. Functional studies demonstrate that this variant causes abberrant phosphorylation of contractile proteins, reduced maximal force-generating capacity of cardiomyocytes, and enhanced Ca2+ sensitivity (PMID: 19273718 ).

Clinical Genetics DNA and cytogenetics Diagnostics Lab, Erasmus MC, Erasmus Medical Center
Classification: Pathogenic for Hypertrophic cardiomyopathy 4. Last evaluated: 2015-09-21. Review status: criteria provided, single submitter. Criteria: ACGS Guidelines, 2013. Collection method: clinical testing. Allele origin: germline. Affected: yes. Study: VKGL Data-share Consensus.

Stanford Center for Inherited Cardiovascular Disease, Stanford University
Classification: Pathogenic. Last evaluated: 2014-08-25. Review status: criteria provided, single submitter. Criteria: ACMG Guidelines, 2015. Collection method: provider interpretation. Allele origin: germline.

Clinical Genetics Laboratory, University Hospital Schleswig-Holstein
Classification: Pathogenic for Hypertrophic cardiomyopathy 4. Last evaluated: 2024-06-25. Review status: no assertion criteria provided. Collection method: clinical testing. Allele origin: germline. Affected: yes. Not counted in ClinVar's aggregate classification.

Agnes Ginges Centre for Molecular Cardiology, Centenary Institute
Classification: Pathogenic for Hypertrophic cardiomyopathy. Last evaluated: 2020-03-24. Review status: no assertion criteria provided. Collection method: research. Allele origin: germline. Inheritance: Autosomal dominant inheritance. Affected: yes. Not counted in ClinVar's aggregate classification.
Comment: MYBPC3 Trp792fs has been well described in multiple families and individuals with HCM (see literature). It is one of three main founder mutations in MYBPC3 in HCM patients in the Netherlands (Alders M, et al., 2003; Christianns I, et al., 2010). This Trp792fs mutation accounts for nearly 25% of all HCM cases in the Netherlands (Alders M, et al., 2003). Familial segregation (where available) shows evidence of co-segregation (Niimura H, et al., 1998; Moolman JA, et al., 2000; Maron BJ, et al., 2001). The variant is present at a low frequency in the Genome Aggregation Database. We have identified this MYBPC3 Trp792fs mutation in 12 unrelated HCM probands and the variant has been found to segregate with disease in several of our families. Based on the adapted ACMG guidelines (Kelly MA, et al., 2018), this variant results in loss of function of MYBPC3 (PVS1), has been identified in well over 15 HCM probands (PS4), segregates strongly with disease (PP1_strong) and is rare in the general population (PM2), therefore we classify MYBPC3 Trp792fs as 'pathogenic'.

OMIM
Classification: Pathogenic for CARDIOMYOPATHY, FAMILIAL HYPERTROPHIC, 4. Last evaluated: 2000-03-28. Review status: no assertion criteria provided. Collection method: literature only. Allele origin: germline. Not counted in ClinVar's aggregate classification.

Clinical Genetics, Academic Medical Center
Classification: Pathogenic. Review status: no assertion criteria provided. Collection method: clinical testing. Allele origin: germline. Affected: yes. Study: VKGL Data-share Consensus. Not counted in ClinVar's aggregate classification.

Diagnostic Laboratory, Department of Genetics, University Medical Center Groningen
Classification: Pathogenic for Hypertrophic cardiomyopathy 4. Review status: no assertion criteria provided. Collection method: clinical testing. Allele origin: germline. Affected: yes. Study: VKGL Data-share Consensus. Not counted in ClinVar's aggregate classification.

Genome Diagnostics Laboratory, Amsterdam University Medical Center
Classification: Pathogenic. Review status: no assertion criteria provided. Collection method: clinical testing. Allele origin: germline. Affected: yes. Study: VKGL Data-share Consensus. Not counted in ClinVar's aggregate classification.